The following is an entry in ClinVar:

NM_000264.5(PTCH1):c.1150C>G (p.His384Asp)

Gene: PTCH1 (patched 1; minus strand). Cytogenetic location: 9q22.32.
Variant type: single nucleotide variant.
Coding change: c.1150C>G on transcript NM_000264.5 (MANE Select); coding-DNA position 1150, C replaced by G.
Protein change: p.His384Asp; replaces histidine 384 with aspartic acid.
Molecular consequence: missense variant. On other transcripts: non-coding transcript variant (1).
Genome position (GRCh38, 1-based): chr9:95,479,065, G>C on the plus strand (C>G on the coding strand, the complement: PTCH1 is on the minus strand). VCF-style: chr9-95479065-G-C. GRCh37 (hg19) VCF-style: chr9-98241347-G-C.
Other names: c.952C>G, p.His318Asp (NM_001083602.3); c.1147C>G, p.His383Asp (NM_001083603.3); c.697C>G, p.His233Asp (NM_001083604.3, NM_001083605.3, NM_001083606.3 and 1 more transcripts); c.1150C>G, p.His384Asp (NM_001354918.2); short protein forms H233D, H318D, H384D, H383D.
Identifiers: ClinVar variation 1469778 (VCV001469778.8), dbSNP rs2118365949, ClinGen allele CA374119353.

ClinVar aggregate classification (germline): Uncertain significance (1 of 4 stars; one submission).

Conditions:
Gorlin syndrome. Also called: Nevoid Basal Cell Carcinoma Syndrome; Basal cell nevus syndrome. Identifiers: Orphanet 377, MedGen C0004779, MONDO:0007187.

Submission:

Labcorp Genetics (formerly Invitae), Labcorp
Classification: Uncertain significance for Gorlin syndrome. Last evaluated: 2022-08-31. Review status: criteria provided, single submitter. Criteria: Invitae Variant Classification Sherloc (09022015). Collection method: clinical testing. Allele origin: germline.
Comment: In summary, the available evidence is currently insufficient to determine the role of this variant in disease. Therefore, it has been classified as a Variant of Uncertain Significance. Advanced modeling of protein sequence and biophysical properties (such as structural, functional, and spatial information, amino acid conservation, physicochemical variation, residue mobility, and thermodynamic stability) performed at Invitae indicates that this missense variant is not expected to disrupt PTCH1 protein function. ClinVar contains an entry for this variant (Variation ID: 1469778). This variant has not been reported in the literature in individuals affected with PTCH1-related conditions. This variant is not present in population databases (gnomAD no frequency). This sequence change replaces histidine, which is basic and polar, with aspartic acid, which is acidic and polar, at codon 384 of the PTCH1 protein (p.His384Asp).